The following is an entry in ClinVar:

ClinVar aggregate classification (germline): Uncertain significance (1 of 4 stars; one submission).

Allele frequency attached by ClinVar (database versions not stated): gnomAD exomes below 0.00001.
gnomAD v4.1: 2 of 1,613,844 alleles (0.00012%); highest among the groups gnomAD compares: South Asian, 0.0022%; no homozygotes.

Submission:

GeneDx
Classification: Uncertain significance. Last evaluated: 2022-10-20. Review status: criteria provided, single submitter. Criteria: GeneDx Variant Classification Process June 2021. Collection method: clinical testing. Allele origin: germline. Affected: yes.
Comment: Not observed at significant frequency in large population cohorts (gnomAD); In silico analysis supports that this missense variant does not alter protein structure/function; Has not been previously published as pathogenic or benign to our knowledge

NM_032043.3(BRIP1):c.2159T>C (p.Val720Ala)

Gene: BRIP1 (BRCA1 interacting DNA helicase 1; minus strand). Cytogenetic location: 17q23.2.
Variant type: single nucleotide variant.
Coding change: c.2159T>C on transcript NM_032043.3 (MANE Select); coding-DNA position 2159, T replaced by C.
Protein change: p.Val720Ala; replaces valine 720 with alanine.
Molecular consequence: missense variant.
Genome position (GRCh38, 1-based): chr17:61,744,530, A>G on the plus strand (T>C on the coding strand, the complement: BRIP1 is on the minus strand). VCF-style: chr17-61744530-A-G. GRCh37 (hg19) VCF-style: chr17-59821891-A-G.
Other names: short protein forms V720A.
Identifiers: ClinVar variation 2499859 (VCV002499859.1), dbSNP rs2144698931, ClinGen allele CA400483152.
Genomic context (GRCh38, chr17:61,744,530, plus strand): 5'-TGCAGTAATTCATCAAAATTTGTTTTTTCTCCTCCCTGTGGTTCTACAATGACTGTCTTC[A>G]CCAACTCCAGATTATGCCATAAACCAGTAGAGAGCCAACGTTCTTTTAATTTTTCTAATA-3'
Protein context (NP_114432.2, residues 710-730): STGLWHNLEL[Val720Ala]KTVIVEPQGG